The following is an entry in ClinVar:

NM_000492.4(CFTR):c.3127C>G (p.Leu1043Val)

Genes: CFTR (CF transmembrane conductance regulator; plus strand), CFTR-AS2 (CFTR antisense RNA 2; minus strand), LOC111674472 (DNase I hypersensitive sites in introns 16 and 17a of CFTR; plus strand). Cytogenetic location: 7q31.2.
Variant type: single nucleotide variant.
Coding change: c.3127C>G on transcript NM_000492.4 (MANE Select); coding-DNA position 3127, C replaced by G.
Protein change: p.Leu1043Val; replaces leucine 1043 with valine.
Molecular consequence: missense variant.
Genome position (GRCh38, 1-based): chr7:117,610,657, C>G. VCF-style: chr7-117610657-C-G. GRCh37 (hg19) VCF-style: chr7-117250711-C-G.
Other names: short protein forms L1043V.
Identifiers: ClinVar variation 3491689 (VCV003491689.1).
Genomic context (GRCh38, chr7:117,610,657, plus strand): 5'-ATAGTGGCTTTTATTATGTTGAGAGCATATTTCCTCCAAACCTCACAGCAACTCAAACAA[C>G]TGGAATCTGAAGGTATGACAGTGAATGTGCGATACTCATCTTGTAAAAAAGCTATAAGAG-3'
Protein context (NP_000483.3, residues 1033-1053): FLQTSQQLKQ[Leu1043Val]ESEGRSPIFT

ClinVar aggregate classification (germline): Uncertain significance (1 of 4 stars; one submission).

Conditions:
Cystic fibrosis (CF). Also called: MUCOVISCIDOSIS. Identifiers: Orphanet 586, MedGen C0010674, MONDO:0009061, OMIM 219700. Disease mechanism: loss of function.

Submission:

Ambry Genetics
Classification: Uncertain significance for Cystic fibrosis. Last evaluated: 2024-10-29. Review status: criteria provided, single submitter. Criteria: Ambry Variant Classification Scheme 2023. Collection method: clinical testing. Allele origin: germline.
Comment: The p.L1043V variant (also known as c.3127C>G), located in coding exon 19 of the CFTR gene, results from a C to G substitution at nucleotide position 3127. The leucine at codon 1043 is replaced by valine, an amino acid with highly similar properties. This amino acid position is conserved. In addition, this alteration is predicted to be deleterious by in silico analysis. Based on the available evidence, the clinical significance of this variant remains unclear.